The following is an entry in ClinVar:

ClinVar aggregate classification (germline): Uncertain significance. Review status: criteria provided, multiple submitters, no conflicts (2 of 4 stars). 2 submissions from 2 submitters: Uncertain significance (2). Last evaluated 2024-12-09.

Conditions:
Polyglandular autoimmune syndrome, type 1 (APS1). Also called: HYPOADRENOCORTICISM WITH HYPOPARATHYROIDISM AND SUPERFICIAL MONILIASIS; Autoimmune polyendocrinopathy syndrome, type I; PGA I; Whitaker syndrome; Autoimmune polyendocrinopathy syndrome , type I, with or without reversible metaphyseal dysplasia; AUTOIMMUNE POLYENDOCRINE SYNDROME, TYPE I, WITH OR WITHOUT REVERSIBLE METAPHYSEAL DYSPLASIA. Identifiers: Orphanet 3453, MedGen C0085859, MONDO:0009411, OMIM 240300.

Allele frequency attached by ClinVar (database versions not stated): gnomAD 0.00005; ExAC 0.00010; TOPMed 0.00010.
gnomAD v4.1: 110 of 1,585,030 alleles (0.0069%); highest among the groups gnomAD compares: Admixed American, 0.092%; no homozygotes.

Submissions (2):

Labcorp Genetics (formerly Invitae), Labcorp
Classification: Uncertain significance for Polyglandular autoimmune syndrome, type 1. Last evaluated: 2024-12-09. Review status: criteria provided, single submitter. Criteria: Invitae Variant Classification Sherloc (09022015). Collection method: clinical testing. Allele origin: germline.
Comment: This sequence change falls in intron 5 of the AIRE gene. It does not directly change the encoded amino acid sequence of the AIRE protein. It affects a nucleotide within the consensus splice site. This variant is present in population databases (rs772221175, gnomAD 0.1%). This variant has not been reported in the literature in individuals affected with AIRE-related conditions. ClinVar contains an entry for this variant (Variation ID: 2060421). Variants that disrupt the consensus splice site are a relatively common cause of aberrant splicing (PMID: 17576681, 9536098). Algorithms developed to predict the effect of sequence changes on RNA splicing suggest that this variant is not likely to affect RNA splicing. In summary, the available evidence is currently insufficient to determine the role of this variant in disease. Therefore, it has been classified as a Variant of Uncertain Significance.

Women's Health and Genetics/Laboratory Corporation of America, LabCorp
Classification: Uncertain significance. Last evaluated: 2024-04-14. Review status: criteria provided, single submitter. Criteria: LabCorp Variant Classification Summary - May 2015. Collection method: clinical testing. Allele origin: germline.

Literature cited by the submitters: PubMed 17576681 (cited by Labcorp Genetics (formerly Invitae), Labcorp); PubMed 9536098 (cited by Labcorp Genetics (formerly Invitae), Labcorp).

NM_000383.4(AIRE):c.652+6C>T

Gene: AIRE (autoimmune regulator; plus strand). Cytogenetic location: 21q22.3.
Variant type: single nucleotide variant.
Coding change: c.652+6C>T on transcript NM_000383.4 (MANE Select); 6 bases into the intron after coding-DNA position 652, C replaced by T.
Molecular consequence: intron variant.
Genome position (GRCh38, 1-based): chr21:44,288,464, C>T. VCF-style: chr21-44288464-C-T. GRCh37 (hg19) VCF-style: chr21-45708347-C-T.
Identifiers: ClinVar variation 2060421 (VCV002060421.3), dbSNP rs772221175, ClinGen allele CA10051651.
Genomic context (GRCh38, chr21:44,288,464, plus strand): 5'-CCGGGAGCCCGAGGGGCCGTGGAGGGGATCCTCATCCAGCAGGTGTTTGAGTCAGGTAGA[C>T]GCTGTGGCGGGGAGATGGGGCTGATGGGGAGACCCAGGCTCCAAGATGGAAGGAGGACCA-3'